The following is an entry in ClinVar:

ClinVar aggregate classification (germline): Uncertain significance. Review status: criteria provided, multiple submitters, no conflicts (2 of 4 stars). 2 submissions from 2 submitters: Uncertain significance (2). Last evaluated 2022-05-10.

Conditions:
Jeune thoracic dystrophy. Also called: Short-rib thoracic dysplasia; Jeune syndrome; Infantile thoracic dystrophy; Thoracic pelvic phalangeal dystrophy; Jeune's syndrome; Chondroectodermal dysplasia-like syndrome. Identifiers: Orphanet 474, MedGen C0265275, MONDO:0018770.
Asphyxiating thoracic dystrophy 3. Also called: SHORT-RIB THORACIC DYSPLASIA 3 WITH OR WITHOUT POLYDACTYLY; POLYDACTYLY WITH NEONATAL CHONDRODYSTROPHY, TYPE I; SHORT-RIB THORACIC DYSPLASIA 3/6 WITH POLYDACTYLY, DIGENIC; Saldino-Noonan Syndrome; Short rib polydactyly syndrome 2B. Identifiers: Orphanet 474, Orphanet 93269, Orphanet 93270, Orphanet 93271, MedGen C0036069, MONDO:0013127, OMIM 613091.

Allele frequency attached by ClinVar (database versions not stated): gnomAD exomes below 0.00001.
gnomAD v4.1: 7 of 1,613,594 alleles (0.00043%); highest among the groups gnomAD compares: East Asian, 0.011%; no homozygotes.

Submissions (2):

Revvity Omics, Revvity
Classification: Uncertain significance for Asphyxiating thoracic dystrophy 3. Last evaluated: 2022-05-10. Review status: criteria provided, single submitter. Criteria: ACMG Guidelines, 2015. Collection method: clinical testing. Allele origin: germline.

Labcorp Genetics (formerly Invitae), Labcorp
Classification: Uncertain significance for Jeune thoracic dystrophy. Last evaluated: 2022-05-08. Review status: criteria provided, single submitter. Criteria: Invitae Variant Classification Sherloc (09022015). Collection method: clinical testing. Allele origin: germline.
Comment: This sequence change replaces histidine, which is basic and polar, with arginine, which is basic and polar, at codon 875 of the DYNC2H1 protein (p.His875Arg). This variant is present in population databases (no rsID available, gnomAD 0.01%). This variant has not been reported in the literature in individuals affected with DYNC2H1-related conditions. Advanced modeling of protein sequence and biophysical properties (such as structural, functional, and spatial information, amino acid conservation, physicochemical variation, residue mobility, and thermodynamic stability) performed at Invitae indicates that this missense variant is not expected to disrupt DYNC2H1 protein function. In summary, the available evidence is currently insufficient to determine the role of this variant in disease. Therefore, it has been classified as a Variant of Uncertain Significance.

NM_001377.3(DYNC2H1):c.2624A>G (p.His875Arg)

Gene: DYNC2H1 (dynein cytoplasmic 2 heavy chain 1; plus strand). Cytogenetic location: 11q22.3.
Variant type: single nucleotide variant.
Coding change: c.2624A>G on transcript NM_001377.3 (MANE Select); coding-DNA position 2624, A replaced by G.
Protein change: p.His875Arg; replaces histidine 875 with arginine.
Molecular consequence: missense variant.
Genome position (GRCh38, 1-based): chr11:103,143,317, A>G. VCF-style: chr11-103143317-A-G. GRCh37 (hg19) VCF-style: chr11-103014046-A-G.
Other names: c.2624A>G, p.His875Arg (NM_001080463.2); short protein forms H875R.
Identifiers: ClinVar variation 2079827 (VCV002079827.4), dbSNP rs1387306682, ClinGen allele CA382263564.